The following is an entry in ClinVar:

NM_022114.4(PRDM16):c.2498T>C (p.Leu833Pro)

Gene: PRDM16 (PR/SET domain 16; plus strand). Cytogenetic location: 1p36.32.
Variant type: single nucleotide variant.
Coding change: c.2498T>C on transcript NM_022114.4 (MANE Select); coding-DNA position 2498, T replaced by C.
Protein change: p.Leu833Pro; replaces leucine 833 with proline.
Molecular consequence: missense variant.
Genome position (GRCh38, 1-based): chr1:3,412,695, T>C. VCF-style: chr1-3412695-T-C. GRCh37 (hg19) VCF-style: chr1-3329259-T-C.
Other names: c.2498T>C, p.Leu833Pro (NM_199454.3); short protein forms L833P.
Identifiers: ClinVar variation 645098 (VCV000645098.1), dbSNP rs1569733602, ClinGen allele CA338000709.

ClinVar aggregate classification (germline): Uncertain significance (1 of 4 stars; one submission).

Conditions:
Left ventricular noncompaction 8 (LVNC8). Identifiers: Orphanet 154, Orphanet 54260, MedGen C3809288, MONDO:0014152, OMIM 615373.

Allele frequency attached by ClinVar (database versions not stated): gnomAD exomes below 0.00001.
gnomAD v4.1: 2 of 1,495,438 alleles (0.00013%); highest among the groups gnomAD compares: African/African-American, 0.0028%; no homozygotes.

Submission:

Labcorp Genetics (formerly Invitae), Labcorp
Classification: Uncertain significance for Left ventricular noncompaction 8. Last evaluated: 2018-10-31. Review status: criteria provided, single submitter. Criteria: Invitae Variant Classification Sherloc (09022015). Collection method: clinical testing. Allele origin: germline.
Comment: This sequence change replaces leucine with proline at codon 833 of the PRDM16 protein (p.Leu833Pro). The leucine residue is highly conserved and there is a moderate physicochemical difference between leucine and proline. The frequency data for this variant in the population databases is considered unreliable, as metrics indicate insufficient coverage at this position in the ExAC database. This variant has not been reported in the literature in individuals with PRDM16-related disease. Algorithms developed to predict the effect of missense changes on protein structure and function output the following: SIFT: "Deleterious"; PolyPhen-2: "Benign"; Align-GVGD: "Class C45". The proline amino acid residue is found in multiple mammalian species, suggesting that this missense change does not adversely affect protein function. These predictions have not been confirmed by published functional studies and their clinical significance is uncertain. In summary, the available evidence is currently insufficient to determine the role of this variant in disease. Therefore, it has been classified as a Variant of Uncertain Significance.